The following is an entry in ClinVar:

NM_000337.6(SGCD):c.194A>G (p.Asp65Gly)

Gene: SGCD (sarcoglycan delta; plus strand). Cytogenetic location: 5q33.3.
Variant type: single nucleotide variant.
Coding change: c.194A>G on transcript NM_000337.6 (MANE Select); coding-DNA position 194, A replaced by G.
Protein change: p.Asp65Gly; replaces aspartic acid 65 with glycine.
Molecular consequence: missense variant.
Genome position (GRCh38, 1-based): chr5:156,508,602, A>G. VCF-style: chr5-156508602-A-G. GRCh37 (hg19) VCF-style: chr5-155935612-A-G.
Other names: c.191A>G, p.Asp64Gly (NM_001128209.2); c.194A>G, p.Asp65Gly (NM_172244.3); short protein forms D65G, D64G.
Identifiers: ClinVar variation 566569 (VCV000566569.6), dbSNP rs769883857, ClinGen allele CA3530536.

ClinVar aggregate classification (germline): Uncertain significance (1 of 4 stars; one submission).

Conditions:
Autosomal recessive limb-girdle muscular dystrophy type 2F (LGMDR6). Also called: MUSCULAR DYSTROPHY, LIMB-GIRDLE, AUTOSOMAL RECESSIVE 6; Muscular dystrophy limb-girdle with delta-sarcoglyan deficiency. Identifiers: Orphanet 219, MedGen C1832525, MONDO:0011028, OMIM 601287. Disease mechanism: Affects gamma-sarcoglycan and also disrupts the integrity of the entire sarcoglycan complex..

Allele frequency attached by ClinVar (database versions not stated): ExAC 0.00001; gnomAD exomes 0.00001 and below 0.00001; TOPMed 0.00002.
gnomAD v4.1: 3 of 1,592,572 alleles (0.00019%); highest among the groups gnomAD compares: East Asian, 0.0045%; no homozygotes.

Submission:

Labcorp Genetics (formerly Invitae), Labcorp
Classification: Uncertain significance for Autosomal recessive limb-girdle muscular dystrophy type 2F. Last evaluated: 2022-05-21. Review status: criteria provided, single submitter. Criteria: Invitae Variant Classification Sherloc (09022015). Collection method: clinical testing. Allele origin: germline.
Comment: This sequence change replaces aspartic acid, which is acidic and polar, with glycine, which is neutral and non-polar, at codon 65 of the SGCD protein (p.Asp65Gly). This variant is present in population databases (rs769883857, gnomAD 0.01%). This variant has not been reported in the literature in individuals affected with SGCD-related conditions. ClinVar contains an entry for this variant (Variation ID: 566569). Algorithms developed to predict the effect of missense changes on protein structure and function are either unavailable or do not agree on the potential impact of this missense change (SIFT: "Deleterious"; PolyPhen-2: "Probably Damaging"; Align-GVGD: "Class C0"). In summary, the available evidence is currently insufficient to determine the role of this variant in disease. Therefore, it has been classified as a Variant of Uncertain Significance.